The following is an entry in ClinVar:

ClinVar aggregate classification (germline): Uncertain significance (1 of 4 stars; one submission).

Allele frequency attached by ClinVar (database versions not stated): TOPMed below 0.00001; gnomAD 0.00001; ExAC 0.00002.

Submission:

Labcorp Genetics (formerly Invitae), Labcorp
Classification: Uncertain significance. Last evaluated: 2022-03-13. Review status: criteria provided, single submitter. Criteria: Invitae Variant Classification Sherloc (09022015). Collection method: clinical testing. Allele origin: germline.
Comment: This variant has not been reported in the literature in individuals affected with RIMS1-related conditions. This variant is present in population databases (rs775156597, gnomAD 0.002%). This sequence change replaces valine, which is neutral and non-polar, with leucine, which is neutral and non-polar, at codon 157 of the RIMS1 protein (p.Val157Leu). In summary, the available evidence is currently insufficient to determine the role of this variant in disease. Therefore, it has been classified as a Variant of Uncertain Significance. Algorithms developed to predict the effect of sequence changes on RNA splicing suggest that this variant may create or strengthen a splice site. Algorithms developed to predict the effect of missense changes on protein structure and function (SIFT, PolyPhen-2, Align-GVGD) all suggest that this variant is likely to be tolerated.

NM_014989.7(RIMS1):c.469G>C (p.Val157Leu)

Gene: RIMS1 (regulating synaptic membrane exocytosis 1; plus strand). Cytogenetic location: 6q13.
Variant type: single nucleotide variant.
Coding change: c.469G>C on transcript NM_014989.7 (MANE Select); coding-DNA position 469, G replaced by C.
Protein change: p.Val157Leu; replaces valine 157 with leucine.
Molecular consequence: missense variant.
Genome position (GRCh38, 1-based): chr6:72,099,984, G>C. VCF-style: chr6-72099984-G-C. GRCh37 (hg19) VCF-style: chr6-72809687-G-C.
Other names: c.469G>C, p.Val157Leu (NM_001350413.1); c.466G>C, p.Val156Leu (NM_001350411.1); c.388G>C, p.Val130Leu (NM_001350412.1); short protein forms V156L, V130L, V157L.
Identifiers: ClinVar variation 1927506 (VCV001927506.5), dbSNP rs775156597, ClinGen allele CA3885507.